The following is an entry in ClinVar:

ClinVar aggregate classification (germline): Uncertain significance. Review status: criteria provided, multiple submitters, no conflicts (2 of 4 stars). 2 submissions from 2 submitters: Uncertain significance (2). Last evaluated 2023-10-08.

Conditions:
Familial thoracic aortic aneurysm and aortic dissection (TAAD). Also called: Thoracic aortic aneurysms and dissections. Identifiers: Orphanet 91387, MedGen C4707243, MONDO:0019625.

Submissions (2):

GeneDx
Classification: Uncertain significance. Last evaluated: 2023-10-08. Review status: criteria provided, single submitter. Criteria: GeneDx Variant Classification Process June 2021. Collection method: clinical testing. Allele origin: germline. Affected: yes.
Comment: Not observed at significant frequency in large population cohorts (gnomAD); In silico analysis supports that this missense variant has a deleterious effect on protein structure/function; Has not been previously published as pathogenic or benign to our knowledge

Labcorp Genetics (formerly Invitae), Labcorp
Classification: Uncertain significance for Familial thoracic aortic aneurysm and aortic dissection. Last evaluated: 2023-05-29. Review status: criteria provided, single submitter. Criteria: Invitae Variant Classification Sherloc (09022015). Collection method: clinical testing. Allele origin: germline.
Comment: This sequence change replaces cysteine, which is neutral and slightly polar, with arginine, which is basic and polar, at codon 64 of the SMAD3 protein (p.Cys64Arg). This variant is not present in population databases (gnomAD no frequency). This variant has not been reported in the literature in individuals affected with SMAD3-related conditions. In summary, the available evidence is currently insufficient to determine the role of this variant in disease. Therefore, it has been classified as a Variant of Uncertain Significance. ClinVar contains an entry for this variant (Variation ID: 405564). Advanced modeling performed at Invitae incorporating data from internal and/or published experimental studies (Invitae) indicates that this missense variant is expected to disrupt SMAD3 function.

NM_005902.4(SMAD3):c.190T>C (p.Cys64Arg)

Gene: SMAD3 (SMAD family member 3; plus strand). Cytogenetic location: 15q22.33.
Variant type: single nucleotide variant.
Coding change: c.190T>C on transcript NM_005902.4 (MANE Select); coding-DNA position 190, T replaced by C.
Protein change: p.Cys64Arg; replaces cysteine 64 with arginine.
Molecular consequence: missense variant.
Genome position (GRCh38, 1-based): chr15:67,066,344, T>C. VCF-style: chr15-67066344-T-C. GRCh37 (hg19) VCF-style: chr15-67358682-T-C.
Other names: short protein forms C64R.
Identifiers: ClinVar variation 405564 (VCV000405564.9), dbSNP rs1060500768, ClinGen allele CA16614545.
Genomic context (GRCh38, chr15:67,066,344, plus strand): 5'-AAGACGGGGCAGCTGGACGAGCTGGAGAAGGCCATCACCACGCAGAACGTCAACACCAAG[T>C]GCATCACCATCCCCAGGTGGGGGCCCGCCCGGGGGGGACCCGGGGTCACGCCGGCCCAGC-3'
Protein context (NP_005893.1, residues 54-74): AITTQNVNTK[Cys64Arg]ITIPRSLDGR